The following is an entry in ClinVar:

ClinVar aggregate classification (germline): Uncertain significance. Review status: criteria provided, multiple submitters, no conflicts (2 of 4 stars). 2 submissions from 2 submitters: Uncertain significance (2). Last evaluated 2024-02-14.

Conditions:
Plasminogen deficiency, type I. Also called: Type 1 plasminogen deficiency; Hypoplasminogenemia. Identifiers: Orphanet 722, MedGen C1968804, MONDO:0009009, OMIM 217090.
Angioedema, hereditary, 4. Identifiers: MedGen C5543503, MONDO:0025712, OMIM 619360.

gnomAD v4.1: 6 of 1,612,240 alleles (0.00037%); highest among the groups gnomAD compares: Middle Eastern, 0.016%; no homozygotes.

Submissions (2):

Fulgent Genetics
Classification: Uncertain significance for Plasminogen deficiency, type I; Angioedema, hereditary, 4. Last evaluated: 2024-02-14. Review status: criteria provided, single submitter. Criteria: ACMG Guidelines, 2015. Collection method: clinical testing. Allele origin: germline.

Labcorp Genetics (formerly Invitae), Labcorp
Classification: Uncertain significance. Last evaluated: 2023-09-03. Review status: criteria provided, single submitter. Criteria: Invitae Variant Classification Sherloc (09022015). Collection method: clinical testing. Allele origin: germline.
Comment: This variant is present in population databases (rs532399913, gnomAD 0.005%). This sequence change replaces glutamic acid, which is acidic and polar, with aspartic acid, which is acidic and polar, at codon 478 of the PLG protein (p.Glu478Asp). This variant has not been reported in the literature in individuals affected with PLG-related conditions. Advanced modeling of protein sequence and biophysical properties (such as structural, functional, and spatial information, amino acid conservation, physicochemical variation, residue mobility, and thermodynamic stability) performed at Invitae indicates that this missense variant is not expected to disrupt PLG protein function. In summary, the available evidence is currently insufficient to determine the role of this variant in disease. Therefore, it has been classified as a Variant of Uncertain Significance.

NM_000301.5(PLG):c.1434A>C (p.Glu478Asp)

Gene: PLG (plasminogen; plus strand). Cytogenetic location: 6q26.
Variant type: single nucleotide variant.
Coding change: c.1434A>C on transcript NM_000301.5 (MANE Select); coding-DNA position 1434, A replaced by C.
Protein change: p.Glu478Asp; replaces glutamic acid 478 with aspartic acid.
Molecular consequence: missense variant.
Genome position (GRCh38, 1-based): chr6:160,731,228, A>C. VCF-style: chr6-160731228-A-C. GRCh37 (hg19) VCF-style: chr6-161152260-A-C.
Other names: short protein forms E478D.
Identifiers: ClinVar variation 2890213 (VCV002890213.4), dbSNP rs532399913, ClinGen allele CA4087779.